The following is an entry in ClinVar:

ClinVar aggregate classification (germline): Uncertain significance. Review status: criteria provided, multiple submitters, no conflicts (2 of 4 stars). 4 submissions from 4 submitters: Uncertain significance (4). Last evaluated 2024-02-21.

Conditions:
Alpha-methylacyl-CoA racemase deficiency (AMACRD). Also called: AMACR deficiency. Identifiers: Orphanet 79095, MedGen C3280428, MONDO:0013681, OMIM 614307. Disease mechanism: loss of function.
Congenital bile acid synthesis defect 4 (CBAS4). Also called: TRIHYDROXYCOPROSTANIC ACID IN BILE; CHOLESTASIS, INTRAHEPATIC, WITH DEFECTIVE CONVERSION OF TRIHYDROXYCOPROSTANIC ACID TO CHOLIC ACID. Identifiers: Orphanet 79095, MedGen C1858328, MONDO:0008967, OMIM 214950.
Inborn genetic diseases. Identifiers: MedGen C0950123, MeSH D030342.

Allele frequency attached by ClinVar (database versions not stated): ExAC 0.00001; gnomAD 0.00001; TOPMed 0.00003.

Submissions (4):

Ambry Genetics
Classification: Uncertain significance for Inborn genetic diseases. Last evaluated: 2024-02-21. Review status: criteria provided, single submitter. Criteria: Ambry Variant Classification Scheme 2023. Collection method: clinical testing. Allele origin: germline.

Fulgent Genetics
Classification: Uncertain significance for Congenital bile acid synthesis defect 4; Alpha-methylacyl-CoA racemase deficiency. Last evaluated: 2024-01-17. Review status: criteria provided, single submitter. Criteria: ACMG Guidelines, 2015. Collection method: clinical testing. Allele origin: germline.

Labcorp Genetics (formerly Invitae), Labcorp
Classification: Uncertain significance for Alpha-methylacyl-CoA racemase deficiency. Last evaluated: 2022-08-12. Review status: criteria provided, single submitter. Criteria: Invitae Variant Classification Sherloc (09022015). Collection method: clinical testing. Allele origin: germline.
Comment: This sequence change replaces glycine, which is neutral and non-polar, with aspartic acid, which is acidic and polar, at codon 137 of the AMACR protein (p.Gly137Asp). This variant is present in population databases (rs777768049, gnomAD 0.03%). This variant has not been reported in the literature in individuals affected with AMACR-related conditions. ClinVar contains an entry for this variant (Variation ID: 502170). Algorithms developed to predict the effect of missense changes on protein structure and function are either unavailable or do not agree on the potential impact of this missense change (SIFT: "Deleterious"; PolyPhen-2: "Probably Damaging"; Align-GVGD: "Class C0"). In summary, the available evidence is currently insufficient to determine the role of this variant in disease. Therefore, it has been classified as a Variant of Uncertain Significance.

Eurofins Ntd Llc (ga)
Classification: Uncertain significance. Last evaluated: 2017-05-23. Review status: criteria provided, single submitter. Criteria: EGL Classification Definitions 2015. Collection method: clinical testing. Allele origin: germline. Observed: 1 variant allele, 1 heterozygote.

NM_014324.6(AMACR):c.410G>A (p.Gly137Asp)

Genes: AMACR (alpha-methylacyl-CoA racemase; minus strand), C1QTNF3-AMACR (C1QTNF3-AMACR readthrough (NMD candidate); minus strand). Cytogenetic location: 5p13.2.
Variant type: single nucleotide variant.
Coding change: c.410G>A on transcript NM_014324.6 (MANE Select); coding-DNA position 410, G replaced by A.
Protein change: p.Gly137Asp; replaces glycine 137 with aspartic acid.
Molecular consequence: missense variant. On other transcripts: intron variant (1).
Genome position (GRCh38, 1-based): chr5:34,004,716, C>T on the plus strand (G>A on the coding strand, the complement: AMACR is on the minus strand). VCF-style: chr5-34004716-C-T. GRCh37 (hg19) VCF-style: chr5-34004821-C-T.
Other names: c.410G>A (NM_014324.5); c.410G>A, p.Gly137Asp (NM_001167595.2); c.391+1040G>A (NM_203382.3); short protein forms G137D.
Identifiers: ClinVar variation 502170 (VCV000502170.9), dbSNP rs777768049, ClinGen allele CA3226208.
Genomic context (GRCh38, chr5:34,004,716, plus strand): 5'-CCACCACCAGCAAAGTCAGCCAGGAGATTCAGCGGGGCATACGGATTCTCACCACTTCTG[C>T]CAATTTTTGAGAGAACACCTACATCATTAAAAACAAATTTAATGTCTCTTTTAAATTTAA-3'
Protein context (NP_055139.4, residues 127-147): LALSGVLSKI[Gly137Asp]RSGENPYAPL